The following is an entry in ClinVar:

ClinVar aggregate classification (germline): Uncertain significance (1 of 4 stars; one submission).

Submission:

Labcorp Genetics (formerly Invitae), Labcorp
Classification: Uncertain significance. Last evaluated: 2024-11-28. Review status: criteria provided, single submitter. Criteria: Invitae Variant Classification Sherloc (09022015). Collection method: clinical testing. Allele origin: germline.
Comment: This variant, c.5586_5587insCCT, results in the insertion of 1 amino acid(s) of the GREB1L protein (p.Leu1862_Lys1863insPro), but otherwise preserves the integrity of the reading frame. This variant is not present in population databases (gnomAD no frequency). This variant has not been reported in the literature in individuals affected with GREB1L-related conditions. In summary, the available evidence is currently insufficient to determine the role of this variant in disease. Therefore, it has been classified as a Variant of Uncertain Significance.

NM_001142966.3(GREB1L):c.5586_5587insCCT (p.Leu1862_Lys1863insPro)

Gene: GREB1L (GREB1 like retinoic acid receptor coactivator; plus strand). Cytogenetic location: 18q11.2.
Variant type: Insertion.
Coding change: c.5586_5587insCCT on transcript NM_001142966.3 (MANE Select); coding-DNA positions 5586 to 5587, CCT inserted.
Protein change: p.Leu1862_Lys1863insPro.
Genome position: GRCh38 VCF-style: chr18-21520800-T-TTCC. GRCh37 (hg19) VCF-style: chr18-19100761-T-TTCC.
Other names: c.5715_5716insCCT, p.Leu1905_Lys1906insPro (NM_001410867.1); c.5259_5260insCCT, p.Leu1753_Lys1754insPro (NM_001410868.1).
Identifiers: ClinVar variation 3725874 (VCV003725874.2).